The following is an entry in ClinVar:

NM_000038.6(APC):c.6254G>T (p.Arg2085Ile)

Gene: APC (APC regulator of Wnt signaling pathway; plus strand). Cytogenetic location: 5q22.2.
Variant type: single nucleotide variant.
Coding change: c.6254G>T on transcript NM_000038.6 (MANE Select); coding-DNA position 6254, G replaced by T.
Protein change: p.Arg2085Ile; replaces arginine 2085 with isoleucine.
Molecular consequence: missense variant.
Genome position (GRCh38, 1-based): chr5:112,841,848, G>T. VCF-style: chr5-112841848-G-T. GRCh37 (hg19) VCF-style: chr5-112177545-G-T.
Other names: c.6254G>T, p.Arg2085Ile (NM_001127510.3, NM_001354895.2, NM_001407450.1); c.6200G>T, p.Arg2067Ile (NM_001127511.3); c.6308G>T, p.Arg2103Ile (NM_001354896.2, NM_001407447.1, NM_001407448.1 and 1 more transcripts); c.6284G>T, p.Arg2095Ile (NM_001354897.2); c.6179G>T, p.Arg2060Ile (NM_001354898.2); c.6170G>T, p.Arg2057Ile (NM_001354899.2); c.6131G>T, p.Arg2044Ile (NM_001354900.2); c.6077G>T, p.Arg2026Ile (NM_001354901.2, NM_001407453.1); and 11 more; short protein forms R1701I, R2044I, R2060I, R2103I, R1925I, R1959I, R2085I, R1802I.
Identifiers: ClinVar variation 1752455 (VCV001752455.7), dbSNP rs770637582, ClinGen allele CA16035027.

ClinVar aggregate classification (germline): Uncertain significance. Review status: criteria provided, multiple submitters, no conflicts (2 of 4 stars). 2 submissions from 2 submitters: Uncertain significance (2). Last evaluated 2025-11-10.

Conditions:
Hereditary cancer-predisposing syndrome. Also called: Hereditary Cancer Syndrome; Hereditary neoplastic syndrome; Neoplastic Syndromes, Hereditary; Tumor predisposition. Identifiers: Orphanet 140162, MedGen C0027672, MeSH D009386, MONDO:0015356.
Familial adenomatous polyposis 1 (FAP1). Also called: FAMILIAL ADENOMATOUS POLYPOSIS 1, ATTENUATED; POLYPOSIS, ADENOMATOUS INTESTINAL. Identifiers: MedGen C2713442, MONDO:0021056, OMIM 175100. Disease mechanism: loss of function.

Submissions (2):

Labcorp Genetics (formerly Invitae), Labcorp
Classification: Uncertain significance for Familial adenomatous polyposis 1. Last evaluated: 2025-11-10. Review status: criteria provided, single submitter. Criteria: Invitae Variant Classification Sherloc (09022015). Collection method: clinical testing. Allele origin: germline.
Comment: This sequence change replaces arginine, which is basic and polar, with isoleucine, which is neutral and non-polar, at codon 2085 of the APC protein (p.Arg2085Ile). This variant is not present in population databases (gnomAD no frequency). This variant has not been reported in the literature in individuals affected with APC-related conditions. ClinVar contains an entry for this variant (Variation ID: 1752455). Invitae Evidence Modeling of protein sequence and biophysical properties (such as structural, functional, and spatial information, amino acid conservation, physicochemical variation, residue mobility, and thermodynamic stability) indicates that this missense variant is not expected to disrupt APC protein function with a negative predictive value of 95%. In summary, the available evidence is currently insufficient to determine the role of this variant in disease. Therefore, it has been classified as a Variant of Uncertain Significance.

Ambry Genetics
Classification: Uncertain significance for Hereditary cancer-predisposing syndrome. Last evaluated: 2022-06-12. Review status: criteria provided, single submitter. Criteria: Ambry Variant Classification Scheme 2023. Collection method: clinical testing. Allele origin: germline.
Comment: The p.R2085I variant (also known as c.6254G>T), located in coding exon 15 of the APC gene, results from a G to T substitution at nucleotide position 6254. The arginine at codon 2085 is replaced by isoleucine, an amino acid with similar properties. This amino acid position is conserved. In addition, in silico predictors for this gene do not accurately predict pathogenicity. Since supporting evidence is limited at this time, the clinical significance of this alteration remains unclear.